The following is an entry in ClinVar:

NM_001042492.3(NF1):c.3485T>C (p.Met1162Thr)

Gene: NF1 (neurofibromin 1; plus strand). Cytogenetic location: 17q11.2.
Variant type: single nucleotide variant.
Coding change: c.3485T>C on transcript NM_001042492.3 (MANE Select); coding-DNA position 3485, T replaced by C.
Protein change: p.Met1162Thr; replaces methionine 1162 with threonine.
Molecular consequence: missense variant.
Genome position (GRCh38, 1-based): chr17:31,232,870, T>C. VCF-style: chr17-31232870-T-C. GRCh37 (hg19) VCF-style: chr17-29559888-T-C.
Other names: c.3485T>C, p.Met1162Thr (NM_000267.4); short protein forms M1162T.
Identifiers: ClinVar variation 5025571 (VCV005025571.1).

ClinVar aggregate classification (germline): Uncertain significance (1 of 4 stars; one submission).

Conditions:
Cardiovascular phenotype. Identifiers: MedGen CN230736.
Hereditary cancer-predisposing syndrome. Also called: Neoplastic Syndromes, Hereditary; Tumor predisposition; Hereditary neoplastic syndrome; Hereditary Cancer Syndrome. Identifiers: Orphanet 140162, MedGen C0027672, MeSH D009386, MONDO:0015356.

Submission:

Ambry Genetics
Classification: Uncertain significance for Cardiovascular phenotype; Hereditary cancer-predisposing syndrome. Last evaluated: 2026-07-17. Review status: criteria provided, single submitter. Criteria: Ambry Variant Classification Scheme 2023. Collection method: clinical testing. Allele origin: germline.
Comment: The p.M1162T variant (also known as c.3485T>C), located in coding exon 26 of the NF1 gene, results from a T to C substitution at nucleotide position 3485. The methionine at codon 1162 is replaced by threonine, an amino acid with similar properties. This amino acid position is conserved. In addition, the in silico prediction for this alteration is inconclusive. Based on the available evidence, the clinical significance of this variant remains unclear.